The following is an entry in ClinVar:

ClinVar aggregate classification (germline): Pathogenic. Review status: criteria provided, multiple submitters, no conflicts (2 of 4 stars). 3 submissions from 3 submitters: Pathogenic (2). 1 of the submissions does not count toward it. Last evaluated 2025-06-12.

Conditions:
PRPH2-related disorder. Also called: PRPH2-related disorders; PRPH2-related condition. Identifiers: MedGen CN239395.

Submissions (3):

Labcorp Genetics (formerly Invitae), Labcorp
Classification: Pathogenic for PRPH2-related disorder. Last evaluated: 2025-06-12. Review status: criteria provided, single submitter. Criteria: Invitae Variant Classification Sherloc (09022015). Collection method: clinical testing. Allele origin: germline.
Comment: This sequence change creates a premature translational stop signal (p.Val69Cysfs*30) in the PRPH2 gene. It is expected to result in an absent or disrupted protein product. Loss-of-function variants in PRPH2 are known to be pathogenic (PMID: 8111389, 8485575, 8485576, 8675410, 16916875, 17504850, 22863181, 25675413, 26061163, 27365499, 29555955, 33546218). This variant is not present in population databases (gnomAD no frequency). This premature translational stop signal has been observed in individual(s) with autosomal dominant retinitis pigmentosa (PMID: 25447119). ClinVar contains an entry for this variant (Variation ID: 870900). For these reasons, this variant has been classified as Pathogenic.

CeGaT Center for Human Genetics Tuebingen
Classification: Pathogenic. Last evaluated: 2019-09-01. Review status: criteria provided, single submitter. Criteria: CeGaT Center For Human Genetics Tuebingen Variant Classification Criteria Version 2. Collection method: clinical testing. Allele origin: germline. Affected: yes. Observed: 1 variant allele.

Leiden Open Variation Database
Classification: Pathogenic. Last evaluated: 2021-04-06. Review status: no assertion criteria provided. Collection method: curation. Allele origin: germline. Affected: yes. Not counted in ClinVar's aggregate classification.
Comment: Curator: Global Variome, with Curator vacancy. Submitter to LOVD: Manon Peeters.

Literature cited by the submitters: PubMed 8111389 (cited by Labcorp Genetics (formerly Invitae), Labcorp); PubMed 8485575 (cited by Labcorp Genetics (formerly Invitae), Labcorp); PubMed 8485576 (cited by Labcorp Genetics (formerly Invitae), Labcorp); PubMed 8675410 (cited by Labcorp Genetics (formerly Invitae), Labcorp); PubMed 16916875 (cited by Labcorp Genetics (formerly Invitae), Labcorp); PubMed 17504850 (cited by Labcorp Genetics (formerly Invitae), Labcorp); PubMed 22863181 (cited by Labcorp Genetics (formerly Invitae), Labcorp); PubMed 25675413 (cited by Labcorp Genetics (formerly Invitae), Labcorp); PubMed 26061163 (cited by Labcorp Genetics (formerly Invitae), Labcorp); PubMed 27365499 (cited by Labcorp Genetics (formerly Invitae), Labcorp); PubMed 29555955 (cited by Labcorp Genetics (formerly Invitae), Labcorp); PubMed 33546218 (cited by Labcorp Genetics (formerly Invitae), Labcorp); PubMed 25447119 (cited by Labcorp Genetics (formerly Invitae), Labcorp and Leiden Open Variation Database).

NM_000322.5(PRPH2):c.205del (p.Val69fs)

Gene: PRPH2 (peripherin 2; minus strand). Cytogenetic location: 6p21.1.
Variant type: Deletion.
Coding change: c.205del on transcript NM_000322.5 (MANE Select); coding-DNA position 205, one base deleted (G; older notation c.205delG).
Protein change: p.Val69fs; shifts the reading frame from valine 69.
Molecular consequence: frameshift variant.
Genome position (GRCh38, 1-based): chr6:42,722,130, C deleted on the plus strand (G on the coding strand, the reverse complement: PRPH2 is on the minus strand); the first of 5 consecutive C bases (chr6:42,722,130-42,722,134); deleting any one gives the same sequence. VCF-style (leftmost placement, unchanged base first): chr6-42722129-AC-A. GRCh37 (hg19) VCF-style: chr6-42689867-AC-A.
Other names: short protein forms V69fs.
Identifiers: ClinVar variation 870900 (VCV000870900.48), dbSNP rs1761916286, ClinGen allele CA645547924.